The following is an entry in ClinVar:

ClinVar aggregate classification (germline): Uncertain significance. Review status: criteria provided, multiple submitters, no conflicts (2 of 4 stars). 2 submissions from 2 submitters: Uncertain significance (2). Last evaluated 2025-02-23.

Conditions:
Episodic ataxia type 2 (EA2). Also called: ATAXIA, EPISODIC, WITH NYSTAGMUS; ATAXIA, FAMILIAL PAROXYSMAL; CEREBELLAR ATAXIA, PAROXYSMAL, ACETAZOLAMIDE-RESPONSIVE; CEREBELLOPATHY, HEREDITARY PAROXYSMAL; EPISODIC ATAXIA, NYSTAGMUS-ASSOCIATED; ACETAZOLAMIDE-RESPONSIVE HEREDITARY PAROXYSMAL CEREBELLAR ATAXIA. Identifiers: Orphanet 97, MedGen C1720416, MONDO:0007163, OMIM 108500.
Developmental and epileptic encephalopathy, 42 (DEE42A). Also called: Epileptic encephalopathy, early infantile, 42; DEVELOPMENTAL AND EPILEPTIC ENCEPHALOPATHY 42A; EPILEPTIC ENCEPHALOPATHY, EARLY INFANTILE, 42A. Identifiers: MedGen C4310716, MONDO:0014917, OMIM 617106.
Inborn genetic diseases. Identifiers: MedGen C0950123, MeSH D030342.

gnomAD v4.1: 7 of 1,610,002 alleles (0.00043%); highest among the groups gnomAD compares: East Asian, 0.0067%; no homozygotes.

Submissions (2):

Labcorp Genetics (formerly Invitae), Labcorp
Classification: Uncertain significance for Developmental and epileptic encephalopathy, 42; Episodic ataxia type 2. Last evaluated: 2025-02-23. Review status: criteria provided, single submitter. Criteria: Invitae Variant Classification Sherloc (09022015). Collection method: clinical testing. Allele origin: germline.
Comment: This sequence change replaces arginine, which is basic and polar, with glutamine, which is neutral and polar, at codon 1546 of the CACNA1A protein (p.Arg1546Gln). This variant is not present in population databases (gnomAD no frequency). This variant has not been reported in the literature in individuals affected with CACNA1A-related conditions. ClinVar contains an entry for this variant (Variation ID: 1430209). Invitae Evidence Modeling of protein sequence and biophysical properties (such as structural, functional, and spatial information, amino acid conservation, physicochemical variation, residue mobility, and thermodynamic stability) indicates that this missense variant is expected to disrupt CACNA1A protein function with a positive predictive value of 95%. In summary, the available evidence is currently insufficient to determine the role of this variant in disease. Therefore, it has been classified as a Variant of Uncertain Significance.

Ambry Genetics
Classification: Uncertain significance for Inborn genetic diseases. Last evaluated: 2018-06-20. Review status: criteria provided, single submitter. Criteria: Ambry Variant Classification Scheme 2023. Collection method: clinical testing. Allele origin: germline.
Comment: The p.R1546Q variant (also known as c.4637G>A), located in coding exon 29 of the CACNA1A gene, results from a G to A substitution at nucleotide position 4637. The arginine at codon 1546 is replaced by glutamine, an amino acid with highly similar properties. This amino acid position is highly conserved in available vertebrate species. In addition, this alteration is predicted to be deleterious by in silico analysis. Since supporting evidence is limited at this time, the clinical significance of this alteration remains unclear.

NM_001127222.2(CACNA1A):c.4634G>A (p.Arg1545Gln)

Gene: CACNA1A (calcium voltage-gated channel subunit alpha1 A; minus strand). Cytogenetic location: 19p13.13.
Variant type: single nucleotide variant.
Coding change: c.4634G>A on transcript NM_001127222.2 (MANE Select); coding-DNA position 4634, G replaced by A.
Protein change: p.Arg1545Gln; replaces arginine 1545 with glutamine.
Molecular consequence: missense variant.
Genome position (GRCh38, 1-based): chr19:13,255,216, C>T on the plus strand (G>A on the coding strand, the complement: CACNA1A is on the minus strand). VCF-style: chr19-13255216-C-T. GRCh37 (hg19) VCF-style: chr19-13366030-C-T.
Other names: c.4646G>A, p.Arg1549Gln (NM_000068.4, NM_023035.3); c.4637G>A, p.Arg1546Gln (NM_001127221.2, NM_001174080.2); short protein forms R1546Q, R1549Q, R1545Q.
Identifiers: ClinVar variation 1430209 (VCV001430209.13), dbSNP rs775048630, ClinGen allele CA305535349.